The following is an entry in ClinVar:

ClinVar aggregate classification (germline): Uncertain significance (1 of 4 stars; one submission).

Conditions:
Peroxisome biogenesis disorder 12A (Zellweger). Also called: Peroxisome biogenesis disorder 12A. Identifiers: Orphanet 912, MedGen C3554002, MONDO:0013951, OMIM 614886.

Allele frequency attached by ClinVar (database versions not stated): gnomAD exomes below 0.00001.
gnomAD v4.1: 1 of 1,613,020 alleles (0.000062%); highest among the groups gnomAD compares: Non-Finnish European, 0.000085%; no homozygotes.

Submission:

Labcorp Genetics (formerly Invitae), Labcorp
Classification: Uncertain significance for Peroxisome biogenesis disorder 12A (Zellweger). Last evaluated: 2023-07-07. Review status: criteria provided, single submitter. Criteria: Invitae Variant Classification Sherloc (09022015). Collection method: clinical testing. Allele origin: germline.
Comment: In summary, the available evidence is currently insufficient to determine the role of this variant in disease. Therefore, it has been classified as a Variant of Uncertain Significance. Advanced modeling of protein sequence and biophysical properties (such as structural, functional, and spatial information, amino acid conservation, physicochemical variation, residue mobility, and thermodynamic stability) performed at Invitae indicates that this missense variant is not expected to disrupt PEX19 protein function. ClinVar contains an entry for this variant (Variation ID: 1975948). This variant has not been reported in the literature in individuals affected with PEX19-related conditions. This variant is not present in population databases (gnomAD no frequency). This sequence change replaces aspartic acid, which is acidic and polar, with glycine, which is neutral and non-polar, at codon 260 of the PEX19 protein (p.Asp260Gly).

NM_002857.4(PEX19):c.779A>G (p.Asp260Gly)

Gene: PEX19 (peroxisomal biogenesis factor 19; minus strand). Cytogenetic location: 1q23.2.
Variant type: single nucleotide variant.
Coding change: c.779A>G on transcript NM_002857.4 (MANE Select); coding-DNA position 779, A replaced by G.
Protein change: p.Asp260Gly; replaces aspartic acid 260 with glycine.
Molecular consequence: missense variant. On other transcripts: non-coding transcript variant (2).
Genome position (GRCh38, 1-based): chr1:160,279,838, T>C on the plus strand (A>G on the coding strand, the complement: PEX19 is on the minus strand). VCF-style: chr1-160279838-T-C. GRCh37 (hg19) VCF-style: chr1-160249628-T-C.
Other names: c.779A>G, p.Asp260Gly (NM_001193644.1); short protein forms D260G.
Identifiers: ClinVar variation 1975948 (VCV001975948.5), dbSNP rs2525303748, ClinGen allele CA343256571.